The following is an entry in ClinVar:

NM_006312.6(NCOR2):c.1371C>T (p.Phe457=)

Gene: NCOR2 (nuclear receptor corepressor 2; minus strand). Cytogenetic location: 12q24.31.
Variant type: single nucleotide variant.
Coding change: c.1371C>T on transcript NM_006312.6 (MANE Select); coding-DNA position 1371, C replaced by T.
Protein change: p.Phe457=; no amino-acid change (phenylalanine 457 retained).
Molecular consequence: synonymous variant.
Genome position (GRCh38, 1-based): chr12:124,422,513, G>A on the plus strand (C>T on the coding strand, the complement: NCOR2 is on the minus strand). VCF-style: chr12-124422513-G-A. GRCh37 (hg19) VCF-style: chr12-124907059-G-A.
Other names: c.1368C>T, p.Phe456= (NM_001077261.4, NM_001206654.2).
Identifiers: ClinVar variation 3033831 (VCV003033831.2), dbSNP rs61751355, ClinGen allele CA6869532.
Genomic context (GRCh38, chr12:124,422,513, plus strand): 5'-GCCCACGGAGGTGGAGACCGAAGGGGTATGGGGCGGGCAGCGACTCACCTTCCTCTCCAG[G>A]AATGATGCGATCAGGCCAAAGTTCTTGGGATGCTGCATGAACCTGCGGGACGAGAAGGGT-3'
Protein context (NP_006303.4, residues 447-467): HPKNFGLIAS[Phe457=]LERKTVAECV

ClinVar aggregate classification (germline): Likely benign (0 of 4 stars; one submission).

Conditions:
NCOR2-related disorder. Also called: NCOR2-related condition.

Allele frequency attached by ClinVar (database versions not stated): 1000 Genomes Project 0.00080; 1000 Genomes Project 30x 0.00094; ESP Exome Variant Server 0.00198; TOPMed 0.00202; gnomAD 0.00244; ExAC 0.00307; gnomAD exomes 0.00354.
gnomAD v4.1: 5,551 of 1,614,058 alleles (0.34%); highest among the groups gnomAD compares: Non-Finnish European, 0.4%; 15 homozygotes.

Submission:

PreventionGenetics, part of Exact Sciences
Classification: Likely benign for NCOR2-related condition. Last evaluated: 2019-04-15. Review status: no assertion criteria provided. Collection method: clinical testing. Allele origin: germline.
Comment: This variant is classified as likely benign based on ACMG/AMP sequence variant interpretation guidelines (Richards et al. 2015 PMID: 25741868, with internal and published modifications).